The following is an entry in ClinVar:

NM_006254.4(PRKCD):c.1942G>A (p.Asp648Asn)

Genes: PRKCD (protein kinase C delta; plus strand), LOC129936899 (ATAC-STARR-seq lymphoblastoid active region 19967; plus strand). Cytogenetic location: 3p21.1.
Variant type: single nucleotide variant.
Coding change: c.1942G>A on transcript NM_006254.4 (MANE Select); coding-DNA position 1942, G replaced by A.
Protein change: p.Asp648Asn; replaces aspartic acid 648 with asparagine.
Molecular consequence: missense variant.
Genome position (GRCh38, 1-based): chr3:53,192,177, G>A. VCF-style: chr3-53192177-G-A. GRCh37 (hg19) VCF-style: chr3-53226193-G-A.
Other names: c.1942G>A, p.Asp648Asn (NM_001316327.2, NM_001354679.2, NM_001354680.2 and 1 more transcripts); c.1999G>A, p.Asp667Asn (NM_001354676.2); c.1990G>A, p.Asp664Asn (NM_001354678.2); short protein forms D667N, D664N, D648N.
Identifiers: ClinVar variation 1353416 (VCV001353416.7), dbSNP rs1305829710, ClinGen allele CA353225447.

ClinVar aggregate classification (germline): Uncertain significance (1 of 4 stars; one submission).

Conditions:
Autoimmune lymphoproliferative syndrome, type III caused by mutation in PRKCD. Identifiers: Orphanet 3261, Orphanet 664711, MedGen C3809928, MONDO:8000024, OMIM 615559.

Allele frequency attached by ClinVar (database versions not stated): gnomAD 0.00001; TOPMed 0.00001; gnomAD exomes below 0.00001 and 0.00001.
gnomAD v4.1: 21 of 1,613,864 alleles (0.0013%); highest among the groups gnomAD compares: Middle Eastern, 0.016%; no homozygotes.

Submission:

Labcorp Genetics (formerly Invitae), Labcorp
Classification: Uncertain significance for Autoimmune lymphoproliferative syndrome, type III caused by mutation in PRKCD. Last evaluated: 2024-10-14. Review status: criteria provided, single submitter. Criteria: Invitae Variant Classification Sherloc (09022015). Collection method: clinical testing. Allele origin: germline.
Comment: This sequence change replaces aspartic acid, which is acidic and polar, with asparagine, which is neutral and polar, at codon 648 of the PRKCD protein (p.Asp648Asn). This variant is present in population databases (no rsID available, gnomAD 0.007%). This variant has not been reported in the literature in individuals affected with PRKCD-related conditions. ClinVar contains an entry for this variant (Variation ID: 1353416). An algorithm developed to predict the effect of missense changes on protein structure and function (PolyPhen-2) suggests that this variant is likely to be disruptive. In summary, the available evidence is currently insufficient to determine the role of this variant in disease. Therefore, it has been classified as a Variant of Uncertain Significance.